The following is an entry in ClinVar:

ClinVar aggregate classification (germline): Uncertain significance (1 of 4 stars; one submission).

Submission:

GeneDx
Classification: Uncertain significance. Last evaluated: 2026-03-22. Review status: criteria provided, single submitter. Criteria: GeneDx Variant Classification Process June 2021. Collection method: clinical testing. Allele origin: germline.
Comment: Not observed at significant frequency in large population cohorts (gnomAD); In silico analysis supports that this missense variant has a deleterious effect on protein structure/function; Has not been previously published as pathogenic or benign to our knowledge

NM_020822.3(KCNT1):c.287C>A (p.Thr96Asn)

Gene: KCNT1 (potassium sodium-activated channel subfamily T member 1; plus strand). Cytogenetic location: 9q34.3.
Variant type: single nucleotide variant.
Coding change: c.287C>A on transcript NM_020822.3 (MANE Select); coding-DNA position 287, C replaced by A.
Protein change: p.Thr96Asn; replaces threonine 96 with asparagine.
Molecular consequence: missense variant.
Genome position (GRCh38, 1-based): chr9:135,750,130, C>A. VCF-style: chr9-135750130-C-A. GRCh37 (hg19) VCF-style: chr9-138641976-C-A.
Other names: c.143C>A, p.Thr48Asn (NM_001272003.2); short protein forms T48N, T96N.
Identifiers: ClinVar variation 5017241 (VCV005017241.1).
Genomic context (GRCh38, chr9:135,750,130, plus strand): 5'-GCCTCCATGCCCCTCTCTGCTTCTTCAGGGTCCAGGTGGAGTTCTACGTCAACGAGAACA[C>A]CTTCAAGGAGCGGCTCAAGCTGTTCTTCATCAAAAACCAAAGATCGAGTGAGTGGGGTGC-3'
Protein context (NP_065873.2, residues 86-106): VQVEFYVNEN[Thr96Asn]FKERLKLFFI